The following is an entry in ClinVar:

NM_002755.4(MAP2K1):c.199G>A (p.Asp67Asn)

Gene: MAP2K1 (mitogen-activated protein kinase kinase 1; plus strand). Cytogenetic location: 15q22.31.
Variant type: single nucleotide variant.
Coding change: c.199G>A on transcript NM_002755.4 (MANE Select); coding-DNA position 199, G replaced by A.
Protein change: p.Asp67Asn; replaces aspartic acid 67 with asparagine.
Molecular consequence: missense variant.
Genome position (GRCh38, 1-based): chr15:66,435,145, G>A. VCF-style: chr15-66435145-G-A. GRCh37 (hg19) VCF-style: chr15-66727483-G-A.
Other names: p.D67N:GAC>AAC; NM_002755.3(MAP2K1):c.199G>A; short protein forms D67N.
Identifiers: ClinVar variation 40781 (VCV000040781.44), dbSNP rs727504317, ClinGen allele CA180743.

ClinVar aggregate classification (germline): Pathogenic. Review status: reviewed by expert panel (3 of 4 stars). 23 submissions from 20 submitters: Pathogenic (1). 22 of the submissions do not count toward it. Last evaluated 2017-05-09.
ClinVar aggregate classification (somatic clinical impact): Tier II - Potential (1 of 4 stars; one submission).

Conditions:
MAP2K1-related RASopathy.
MAP2K1-related disorder. Also called: MAP2K1-related disorders; MAP2K1-related condition.
Melorheostosis (MEL). Also called: MELORHEOSTOSIS, ISOLATED. Identifiers: Orphanet 2485, MedGen C3149631, MONDO:0007970, OMIM 155950, HP:6000817.
Cardiofaciocutaneous syndrome 3 (CFC3). Also called: MAP2K1-Related Cardiofaciocutaneous Syndrome. Identifiers: Orphanet 1340, MedGen C3809006, MONDO:0014113, OMIM 615279.
Cardiovascular phenotype. Identifiers: MedGen CN230736.
Cardio-facio-cutaneous syndrome. Also called: Cardiofaciocutaneous syndrome; CFC syndrome. Identifiers: Orphanet 1340, MedGen C1275081, MONDO:0015280. Disease mechanism: gain of function.
Noonan syndrome (NS). Also called: Noonan's syndrome. Identifiers: Orphanet 648, MedGen C0028326, MeSH D009634, MONDO:0018997. Disease mechanism: gain of function.
RASopathy. Also called: rasopathies; Noonan spectrum disorder. Identifiers: Orphanet 536391, MedGen C5555857, MONDO:0021060.
Autism spectrum disorder. Also called: Autism spectrum disorders. Identifiers: MedGen C1510586, MeSH D000067877, MONDO:0005258.
Cardiofaciocutaneous syndrome 1 (CFC1). Also called: BRAF-Related Cardiofaciocutaneous Syndrome. Identifiers: Orphanet 1340, MedGen CN029449, MONDO:0007265, OMIM 115150. Disease mechanism: gain of function.
Embryonal rhabdomyosarcoma (ERMS). Also called: Botryoid rhabdomyosarcoma (type of ERMS); Spindle cell rhabdomyosarcomas (type of ERMS). Identifiers: Orphanet 99757, MedGen C0206656, MONDO:0009993, HP:0006743.

Submissions 1 to 8 of 24:

ClinGen RASopathy Variant Curation Expert Panel
Classification: Pathogenic for Cardio-facio-cutaneous syndrome. Last evaluated: 2017-05-09. Review status: reviewed by expert panel. Criteria: ClinGen RASopathy ACMG Specifications v1. Collection method: curation. Allele origin: germline. Inheritance: Autosomal dominant inheritance.
Comment: The c.199G>A (p.Asp67Asn) variant in MAP2K1 has been reported in the literature in at least 2 unconfirmed de novo occurrences in patients with clinical features of a RASopathy (PM6_Strong; PMID 17704260). In vitro functional studies provide some evidence that the p.Asp67Asn variant may impact protein function (PS3; PMID 25049390). This variant was absent from large population studies (PM2; ExAC). The variant is located in the MAP2K1 gene, which has been defined by the ClinGen RASopathy Expert Panel as a gene with a low rate of benign missense variants and pathogenic missense variants are common (PP2; PMID: 29493581). Computational prediction tools and conservation analysis suggest that the p.Asp67Asn variant may impact the protein (PP3). In summary, this variant meets criteria to be classified as pathogenic for RASopathies in an autosomal dominant manner. Rasopathy-specific ACMG/AMP criteria applied (PMID:29493581): PM6_Strong, PS3, PM2, PP2, PP3.

Institute of Human Genetics, University of Leipzig Medical Center
Classification: Pathogenic for Cardiofaciocutaneous syndrome 3. Last evaluated: 2025-12-18. Review status: criteria provided, single submitter. Criteria: ACMG Guidelines, 2015. Collection method: clinical testing. Allele origin: unknown. Inheritance: Autosomal dominant inheritance. Affected: yes. Not counted in ClinVar's aggregate classification.
Comment: Criteria applied: PS2,PS3,PS4,PM2,PM5,PP2

3billion
Classification: Pathogenic for Cardiofaciocutaneous syndrome 3. Last evaluated: 2025-12-15. Review status: criteria provided, single submitter. Criteria: ACMG Guidelines, 2015. Collection method: clinical testing. Allele origin: germline. Affected: yes. Not counted in ClinVar's aggregate classification.
Comment: The variant is not observed in the gnomAD v4.1.0 dataset. Predicted Consequence/Location: Missense variant. Missense changes are a common disease-causing mechanism. Functional studies provide strong evidence of the variant having a damaging effect on the gene or gene product (PMID: 25049390). In silico tool predictions suggest damaging effect of the variant on gene or gene product [REVEL: 0.70 (>=0.6, sensitivity 0.68 and specificity 0.92); 3Cnet: 0.81 (> 0.75, sensitivity 0.96 and precision 0.92)]. The same nucleotide change resulting in the same amino acid change has been previously reported as pathogenic/likely pathogenic with strong evidence (ClinVar ID: VCV000040781 /PMID: 17704260 /3billion dataset). The variant has been observed in at least two similarly affected unrelated individuals (3billion dataset). The variant has been previously reported as assumed (i.e. paternity and maternity not confirmed) de novo in at least two similarly affected unrelated individuals (PMID: 17704260). Different missense changes at the same codon (p.Asp67Ala, p.Asp67Gly) have been reported to be associated with MAP2K1-related disorder (ClinVar ID: VCV003577599 /PMID: 31057598). Therefore, this variant is classified as Pathogenic according to the recommendation of ACMG/AMP guideline.

Labcorp Genetics (formerly Invitae), Labcorp
Classification: Pathogenic for RASopathy. Last evaluated: 2025-10-26. Review status: criteria provided, single submitter. Criteria: Invitae Variant Classification Sherloc (09022015). Collection method: clinical testing. Allele origin: germline. Not counted in ClinVar's aggregate classification.
Comment: This sequence change replaces aspartic acid, which is acidic and polar, with asparagine, which is neutral and polar, at codon 67 of the MAP2K1 protein (p.Asp67Asn). This variant is not present in population databases (gnomAD no frequency). This missense change has been observed in individual(s) with Noonan syndrome or cardio-facio-cutaneous syndrome (PMID: 17704260, 25049390). In at least one individual the variant was observed to be de novo. ClinVar contains an entry for this variant (Variation ID: 40781). Invitae Evidence Modeling of protein sequence and biophysical properties (such as structural, functional, and spatial information, amino acid conservation, physicochemical variation, residue mobility, and thermodynamic stability) has been performed for this missense variant. However, the output from this modeling did not meet the statistical confidence thresholds required to predict the impact of this variant on MAP2K1 protein function. Experimental studies have shown that this missense change affects MAP2K1 function (PMID: 25049390). For these reasons, this variant has been classified as Pathogenic.

Genomic Medicine Center of Excellence, King Faisal Specialist Hospital and Research Centre
Classification: Pathogenic for Cardiofaciocutaneous syndrome 1. Last evaluated: 2025-09-10. Review status: criteria provided, single submitter. Criteria: ACMG Guidelines, 2015. Collection method: clinical testing. Allele origin: germline. Not counted in ClinVar's aggregate classification.

Ambry Genetics
Classification: Pathogenic for Cardiovascular phenotype. Last evaluated: 2025-09-05. Review status: criteria provided, single submitter. Criteria: Ambry Variant Classification Scheme 2023. Collection method: clinical testing. Allele origin: germline. Not counted in ClinVar's aggregate classification.
Comment: The p.D67N pathogenic mutation (also known as c.199G>A), located in coding exon 2 of the MAP2K1 gene, results from a G to A substitution at nucleotide position 199. The aspartic acid at codon 67 is replaced by asparagine, an amino acid with highly similar properties. This variant was reported in individual(s) with features consistent with MAP2K1-related RASopathy; in at least one individual, it was determined to be de novo (Nava C et al. J. Med. Genet., 2007 Dec;44:763-71; Firth HV et al. Am. J. Hum. Genet., 2009 Apr;84:524-33; Chen PC et al. Proc. Natl. Acad. Sci. U.S.A., 2014 Aug;111:11473-8; Leung GKC et al. Sci Rep, 2018 02;8:2421; Ambry internal data). In an assay testing MAP2K1 function, this variant showed a functionally abnormal result (Chen PC et al. Proc. Natl. Acad. Sci. U.S.A., 2014 Aug;111:11473-8). This missense alteration is located in a region that has a low rate of benign missense variation (Lek M et al. Nature. 2016 Aug 18;536(7616):285-91; DECIPHER: Database of Chromosomal Imbalance and Phenotype in Humans using Ensembl Resources. Firth H.V. et al. 2009. Am.J.Hum.Genet. 84, 524-533 (DOI)). This amino acid position is highly conserved in available vertebrate species. In addition, the in silico prediction for this alteration is inconclusive. This variant is considered to be rare based on population cohorts in the Genome Aggregation Database (gnomAD). Based on the supporting evidence, this variant is interpreted as a disease-causing mutation.

Division of Genetic & Genomic Pathology, Hong Kong Children's Hospital
Classification: Pathogenic for RASopathy. Last evaluated: 2025-04-03. Review status: criteria provided, single submitter. Criteria: ACMG Guidelines, 2015. Collection method: clinical testing. Allele origin: germline. Affected: yes. Not counted in ClinVar's aggregate classification.
Comment: MAP2K1 c.199G>A (p.Asp67Asn) is a missense variant in exon 2 of 11 in the MAP2K1 gene. This variant has been reported to be pathogenic by the ClinGen RASopathy Variant Curation Expert Panel (SCV000616531.4), and reported to be pathogenic my multiple submitters in ClinVar (VCV000040781.36). MAP2K1 c.199G>A (p.Asp67Asn) is absent from population control databases (gnomAD v.2.1.1 and v4.1.0). The variant has been reported in the literature in at least 5 well-phenotyped individuals with clinical features of a RASopathy (PMIDs: 17704260, 25049390, 33448881, 35904599), with additional reports of unconfirmed de novo occurrences in affected patients (PMIDs: 17704260, 31785789, 34791078). In vitro functional studies suggest that MAP2K1 c.199G>A (p.Asp67Asn) may impact protein function through dominant-negative effects (PMID 25049390). For these reasons, MAP2K1 c.199G>A (p.Asp67Asn) is classified as pathogenic.

Institute of Human Genetics, University of Leipzig Medical Center
Classification: Pathogenic for Cardiofaciocutaneous syndrome 1. Last evaluated: 2024-08-13. Review status: criteria provided, single submitter. Criteria: ACMG Guidelines, 2015. Collection method: clinical testing. Allele origin: unknown. Inheritance: Autosomal dominant inheritance. Affected: yes. Not counted in ClinVar's aggregate classification.
Comment: Criteria applied: PS2, PS3, PM2, PP2, PP3